The following is an entry in ClinVar:

ClinVar aggregate classification (germline): Uncertain significance. Review status: criteria provided, multiple submitters, no conflicts (2 of 4 stars). 2 submissions from 2 submitters: Uncertain significance (2). Last evaluated 2025-08-24.

Conditions:
Inborn genetic diseases. Identifiers: MedGen C0950123, MeSH D030342.

Allele frequency attached by ClinVar (database versions not stated): gnomAD 0.00001; gnomAD exomes 0.00001; TOPMed 0.00002.

Submissions (2):

Ambry Genetics
Classification: Uncertain significance for Inborn genetic diseases. Last evaluated: 2025-08-24. Review status: criteria provided, single submitter. Criteria: Ambry Variant Classification Scheme 2023. Collection method: clinical testing. Allele origin: germline.

Labcorp Genetics (formerly Invitae), Labcorp
Classification: Uncertain significance. Last evaluated: 2020-12-04. Review status: criteria provided, single submitter. Criteria: Invitae Variant Classification Sherloc (09022015). Collection method: clinical testing. Allele origin: germline.
Comment: In summary, the available evidence is currently insufficient to determine the role of this variant in disease. Therefore, it has been classified as a Variant of Uncertain Significance. Algorithms developed to predict the effect of missense changes on protein structure and function are either unavailable or do not agree on the potential impact of this missense change (SIFT: "Deleterious"; PolyPhen-2: "Benign"; Align-GVGD: "Class C65"). This variant has not been reported in the literature in individuals with ZNF408-related conditions. This variant is not present in population databases (ExAC no frequency). This sequence change replaces cysteine with tyrosine at codon 121 of the ZNF408 protein (p.Cys121Tyr). The cysteine residue is highly conserved and there is a large physicochemical difference between cysteine and tyrosine.

NM_024741.3(ZNF408):c.362G>A (p.Cys121Tyr)

Gene: ZNF408 (zinc finger protein 408; plus strand). Cytogenetic location: 11p11.2.
Variant type: single nucleotide variant.
Coding change: c.362G>A on transcript NM_024741.3 (MANE Select); coding-DNA position 362, G replaced by A.
Protein change: p.Cys121Tyr; replaces cysteine 121 with tyrosine.
Molecular consequence: missense variant.
Genome position (GRCh38, 1-based): chr11:46,702,735, G>A. VCF-style: chr11-46702735-G-A. GRCh37 (hg19) VCF-style: chr11-46724285-G-A.
Other names: c.338G>A, p.Cys113Tyr (NM_001184751.2); short protein forms C121Y, C113Y.
Identifiers: ClinVar variation 966010 (VCV000966010.10), dbSNP rs1403976590, ClinGen allele CA380252077.